The following is an entry in ClinVar:

NM_001365276.2(TNXB):c.2986C>G (p.Arg996Gly)

Gene: TNXB (tenascin XB; minus strand). Cytogenetic location: 6p21.33.
Variant type: single nucleotide variant.
Coding change: c.2986C>G on transcript NM_001365276.2 (MANE Select); coding-DNA position 2986, C replaced by G.
Protein change: p.Arg996Gly; replaces arginine 996 with glycine.
Molecular consequence: missense variant.
Genome position (GRCh38, 1-based): chr6:32,085,912, G>C on the plus strand (C>G on the coding strand, the complement: TNXB is on the minus strand). VCF-style: chr6-32085912-G-C. GRCh37 (hg19) VCF-style: chr6-32053689-G-C.
Other names: c.2986C>G, p.Arg996Gly (NM_019105.8); short protein forms R996G.
Identifiers: ClinVar variation 1306127 (VCV001306127.2), dbSNP rs775825339, ClinGen allele CA363448574.

ClinVar aggregate classification (germline): Uncertain significance (1 of 4 stars; one submission).

Submission:

GeneDx
Classification: Uncertain significance. Last evaluated: 2019-05-23. Review status: criteria provided, single submitter. Criteria: GeneDx Variant Classification Process June 2021. Collection method: clinical testing. Allele origin: germline. Affected: yes.
Comment: Has not been previously published as pathogenic or benign to our knowledge; Not observed in large population cohorts (Lek et al., 2016); In silico analysis, which includes protein predictors and evolutionary conservation, supports a deleterious effect